The following is an entry in ClinVar:

ClinVar aggregate classification (germline): Uncertain significance. Review status: criteria provided, multiple submitters, no conflicts (2 of 4 stars). 3 submissions from 3 submitters: Uncertain significance (3). Last evaluated 2025-07-14.

Conditions:
COL4A1-related disorder. Also called: COL4A1-related condition; COL4A1-related disorders. Identifiers: MedGen CN376119, MONDO:0800461.
Inborn genetic diseases. Identifiers: MedGen C0950123, MeSH D030342.

Allele frequency attached by ClinVar (database versions not stated): gnomAD exomes 0.00001; TOPMed 0.00002; ExAC 0.00003; gnomAD 0.00003; ESP Exome Variant Server 0.00008.
gnomAD v4.1: 18 of 1,613,988 alleles (0.0011%); highest among the groups gnomAD compares: East Asian, 0.011%; no homozygotes.

Submissions (3):

Labcorp Genetics (formerly Invitae), Labcorp
Classification: Uncertain significance. Last evaluated: 2025-07-14. Review status: criteria provided, single submitter. Criteria: Invitae Variant Classification Sherloc (09022015). Collection method: clinical testing. Allele origin: germline.
Comment: This sequence change replaces proline, which is neutral and non-polar, with serine, which is neutral and polar, at codon 1412 of the COL4A1 protein (p.Pro1412Ser). This variant is present in population databases (rs368150613, gnomAD 0.03%). This variant has not been reported in the literature in individuals affected with COL4A1-related conditions. ClinVar contains an entry for this variant (Variation ID: 3147571). Invitae Evidence Modeling of protein sequence and biophysical properties (such as structural, functional, and spatial information, amino acid conservation, physicochemical variation, residue mobility, and thermodynamic stability) indicates that this missense variant is not expected to disrupt COL4A1 protein function with a negative predictive value of 95%. In summary, the available evidence is currently insufficient to determine the role of this variant in disease. Therefore, it has been classified as a Variant of Uncertain Significance.

PreventionGenetics, part of Exact Sciences
Classification: Uncertain significance for COL4A1-related condition. Last evaluated: 2025-05-31. Review status: criteria provided, single submitter. Criteria: ACMG Guidelines, 2015. Collection method: clinical testing. Allele origin: germline.
Comment: The COL4A1 c.4234C>T variant is predicted to result in the amino acid substitution p.Pro1412Ser. To our knowledge, this variant has not been reported in the literature. This variant is reported in 0.030% of alleles in individuals of East Asian descent in gnomAD. At this time, the clinical significance of this variant is uncertain due to the absence of conclusive functional and genetic evidence.

Ambry Genetics
Classification: Uncertain significance for Inborn genetic diseases. Last evaluated: 2024-02-05. Review status: criteria provided, single submitter. Criteria: Ambry Variant Classification Scheme 2023. Collection method: clinical testing. Allele origin: germline.

NM_001845.6(COL4A1):c.4234C>T (p.Pro1412Ser)

Gene: COL4A1 (collagen type IV alpha 1 chain; minus strand). Cytogenetic location: 13q34.
Variant type: single nucleotide variant.
Coding change: c.4234C>T on transcript NM_001845.6 (MANE Select); coding-DNA position 4234, C replaced by T.
Protein change: p.Pro1412Ser; replaces proline 1412 with serine.
Molecular consequence: missense variant.
Genome position (GRCh38, 1-based): chr13:110,163,478, G>A on the plus strand (C>T on the coding strand, the complement: COL4A1 is on the minus strand). VCF-style: chr13-110163478-G-A. GRCh37 (hg19) VCF-style: chr13-110815825-G-A.
Other names: c.4234C>T (NM_001845.5); short protein forms P1412S.
Identifiers: ClinVar variation 3147571 (VCV003147571.4), dbSNP rs368150613, ClinGen allele CA7046989.